The following is an entry in ClinVar:

NM_005097.4(LGI1):c.1133G>A (p.Arg378Lys)

Gene: LGI1 (leucine rich glioma inactivated 1; plus strand). Cytogenetic location: 10q23.33.
Variant type: single nucleotide variant.
Coding change: c.1133G>A on transcript NM_005097.4 (MANE Select); coding-DNA position 1133, G replaced by A.
Protein change: p.Arg378Lys; replaces arginine 378 with lysine.
Molecular consequence: missense variant. On other transcripts: non-coding transcript variant (1), intron variant (1).
Genome position (GRCh38, 1-based): chr10:93,797,262, G>A. VCF-style: chr10-93797262-G-A. GRCh37 (hg19) VCF-style: chr10-95557019-G-A.
Other names: c.989G>A, p.Arg330Lys (NM_001308276.2); c.839-487G>A (NM_001308275.2); short protein forms R330K, R378K.
Identifiers: ClinVar variation 3766036 (VCV003766036.1).

ClinVar aggregate classification (germline): Uncertain significance (1 of 4 stars; one submission).

Submission:

GeneDx
Classification: Uncertain significance. Last evaluated: 2024-09-02. Review status: criteria provided, single submitter. Criteria: GeneDx Variant Classification Process June 2021. Collection method: clinical testing. Allele origin: germline. Affected: yes.
Comment: Not observed at significant frequency in large population cohorts (gnomAD); In silico analysis indicates that this missense variant does not alter protein structure/function; Has not been previously published as pathogenic or benign to our knowledge